The following is an entry in ClinVar:

ClinVar aggregate classification (germline): Pathogenic/Likely pathogenic. Review status: criteria provided, multiple submitters, no conflicts (2 of 4 stars). 5 submissions from 5 submitters: Pathogenic (2); Likely pathogenic (1). 2 of the submissions do not count toward it. Last evaluated 2025-06-30.

Conditions:
Autosomal dominant nonsyndromic hearing loss 65. Also called: Deafness, autosomal dominant 65; TBC1D24-Related Autosomal Dominant Nonsyndromic Hearing Loss (DFNA). Identifiers: Orphanet 90635, MedGen C3892048, MONDO:0014470, OMIM 616044.
Developmental and epileptic encephalopathy, 1 (DEE1). Also called: X-linked infantile spasms; West's syndrome; Tonic spasms with clustering, arrest of psychomotor development and hypsarrhythmia on EEG; X-Linked Infantile Spasm Syndrome; OHTAHARA SYNDROME, X-LINKED; Epileptic encephalopathy, early infantile, 1. Identifiers: MedGen C3463992, MONDO:0010632, OMIM 308350. Disease mechanism: loss of function.
Inborn genetic diseases. Identifiers: MedGen C0950123, MeSH D030342.

Allele frequency attached by ClinVar (database versions not stated): gnomAD exomes 0.00001; TOPMed 0.00002; ExAC 0.00002.

Submissions (5):

GeneDx
Classification: Pathogenic. Last evaluated: 2025-06-30. Review status: criteria provided, single submitter. Criteria: GeneDx Variant Classification Process June 2021. Collection method: clinical testing. Allele origin: germline. Affected: yes.
Comment: Not observed at significant frequency in large population cohorts (gnomAD); In silico analysis supports that this missense variant has a deleterious effect on protein structure/function; This variant is associated with the following publications: (PMID: 28428906, 30180405, 27669036, 33063868, 31112829, 27281533, 29655203)

Labcorp Genetics (formerly Invitae), Labcorp
Classification: Pathogenic for Developmental and epileptic encephalopathy, 1; Autosomal dominant nonsyndromic hearing loss 65. Last evaluated: 2025-01-06. Review status: criteria provided, single submitter. Criteria: Invitae Variant Classification Sherloc (09022015). Collection method: clinical testing. Allele origin: germline.
Comment: This sequence change replaces arginine, which is basic and polar, with tryptophan, which is neutral and slightly polar, at codon 227 of the TBC1D24 protein (p.Arg227Trp). This variant is present in population databases (rs748302886, gnomAD 0.003%). This missense change has been observed in individual(s) with autosomal recessive TBC1D24-related conditions (PMID: 27281533, 31112829; internal data). In at least one individual the data is consistent with being in trans (on the opposite chromosome) from a pathogenic variant. ClinVar contains an entry for this variant (Variation ID: 429630). Invitae Evidence Modeling of protein sequence and biophysical properties (such as structural, functional, and spatial information, amino acid conservation, physicochemical variation, residue mobility, and thermodynamic stability) has been performed for this missense variant. However, the output from this modeling did not meet the statistical confidence thresholds required to predict the impact of this variant on TBC1D24 protein function. This variant disrupts the p.Arg227 amino acid residue in TBC1D24. Other variant(s) that disrupt this residue have been observed in individuals with TBC1D24-related conditions (PMID: 27281533), which suggests that this may be a clinically significant amino acid residue. For these reasons, this variant has been classified as Pathogenic.

Ambry Genetics
Classification: Likely pathogenic for Inborn genetic diseases. Last evaluated: 2021-07-30. Review status: criteria provided, single submitter. Criteria: Ambry Variant Classification Scheme 2023. Collection method: clinical testing. Allele origin: germline.
Comment: The c.679C>T (p.R227W) alteration is located in exon 2 (coding exon 1) of the TBC1D24 gene. This alteration results from a C to T substitution at nucleotide position 679, causing the arginine (R) at amino acid position 227 to be replaced by a tryptophan (W). Based on data from the Genome Aggregation Database (gnomAD) database, the TBC1D24 c.679C>T alteration was observed in <0.01% (3/249280) of total alleles studied, with a frequency of <0.01% (1/30602) in the South Asian subpopulation. This variant was identified in an individual with multifocal epilepsy in conjunction with p.A515V; however, the phase was not provided (Balestrini, 2016). It was also identified in conjunction with p.P135L in at least one Chinese individual with epilepsy (Zhang, 2019; Zhang, 2021). Based on internal structural analysis, this variant is more disruptive than known pathogenic variants (Fischer, 2016). The in silico prediction for the p.R227W alteration is inconclusive. Based on the available evidence, this alteration is classified as likely pathogenic.

Department of Pathology and Laboratory Medicine, Sinai Health System
Classification: Likely pathogenic. Review status: no assertion criteria provided. Collection method: clinical testing. Allele origin: unknown. Affected: yes. Study: The Canadian Open Genetics Repository (COGR). Not counted in ClinVar's aggregate classification.
Comment: The TBC1D24 p.Arg227Trp variant was identified in dbSNP (ID: rs748302886) and in ClinVar where it was classified as likely pathogenic by GeneDx and as a VUS by Invitae for epileptic encephalopathy, early infantile and deafness, autosomal dominant. The variant was also identified in Cosmic with a FATHMM prediction of pathogenic (score 0.98) and in LOVD 3.0 where the variant was suggested to probably affect protein function. The variant was identified in control databases in 3 of 249280 chromosomes at a frequency of 0.000012 (Genome Aggregation Database Feb 27, 2017). The variant was observed in the following populations: South Asian in 1 of 30602 chromosomes (freq: 0.000033) and European (non-Finnish) in 2 of 113080 chromosomes (freq: 0.000018); it was not observed in the African, Latino, Ashkenazi Jewish, East Asian, European (Finnish) and Other populations. Another variant at the same codon, p.R227Q, as well as a variant in a nearby codon, p.F229S, were both found in the Human Gene Mutation Database to be associated with TBC1D24-related disorders (Stenson_2014_PMID: 24077912). Functional co-immunoprecipitation studies of the p.F229 variant, found within the TBC domain, showed impaired TBC1D24 protein function (Milh_2013_PMID: 23526554). Additionally, ClinVar benign variants in this well-established functional TBC domain were synonymous. The variant occurs outside of the splicing consensus sequence and in silico or computational prediction software programs (SpliceSiteFinder, MaxEntScan, NNSPLICE, and GeneSplicer) do not predict a difference in splicing. The p.Arg227 residue is conserved across mammals and other organisms, and all five computational analyses (PolyPhen-2, SIFT, AlignGVGD, BLOSUM, and MutationTaster) suggest that the variant may impact the protein. In summary, the clinical significance of this variant cannot be determined with certainty at this time although we would lean towards a more pathogenic role for this variant. This variant is classified as likely pathogenic.

Centre for Mendelian Genomics, University Medical Centre Ljubljana
Classification: Uncertain significance for Autosomal dominant nonsyndromic hearing loss 65. Last evaluated: 2020-02-04. Review status: flagged submission. Criteria: ACMG Guidelines, 2015. Collection method: clinical testing. Allele origin: unknown. Affected: yes. Not counted in ClinVar's aggregate classification.
Comment: This variant was classified as: Uncertain significance. The available evidence on this variant's pathogenicity is insufficient or conflicting. The following ACMG criteria were applied in classifying this variant: PM2,PP3.
ClinVar note: Reason: Older and outlier claim with insufficient supporting evidence

Literature cited by the submitters: PubMed 27281533 (cited by Labcorp Genetics (formerly Invitae), Labcorp and Ambry Genetics); PubMed 31112829 (cited by Labcorp Genetics (formerly Invitae), Labcorp and Ambry Genetics); PubMed 27669036 (cited by Ambry Genetics); PubMed 33063868 (cited by Ambry Genetics).

NM_001199107.2(TBC1D24):c.679C>T (p.Arg227Trp)

Gene: TBC1D24 (TBC1 domain family member 24; plus strand). Cytogenetic location: 16p13.3.
Variant type: single nucleotide variant.
Coding change: c.679C>T on transcript NM_001199107.2 (MANE Select); coding-DNA position 679, C replaced by T.
Protein change: p.Arg227Trp; replaces arginine 227 with tryptophan.
Molecular consequence: missense variant.
Genome position (GRCh38, 1-based): chr16:2,496,827, C>T. VCF-style: chr16-2496827-C-T. GRCh37 (hg19) VCF-style: chr16-2546828-C-T.
Other names: c.679C>T, p.Arg227Trp (NM_020705.3); short protein forms R227W.
Identifiers: ClinVar variation 429630 (VCV000429630.21), dbSNP rs748302886, ClinGen allele CA7844044.